The following is an entry in ClinVar:

NM_000069.3(CACNA1S):c.2996A>G (p.Asn999Ser)

Gene: CACNA1S (calcium voltage-gated channel subunit alpha1 S; minus strand). Cytogenetic location: 1q32.1.
Variant type: single nucleotide variant.
Coding change: c.2996A>G on transcript NM_000069.3 (MANE Select); coding-DNA position 2996, A replaced by G.
Protein change: p.Asn999Ser; replaces asparagine 999 with serine.
Molecular consequence: missense variant.
Genome position (GRCh38, 1-based): chr1:201,062,001, T>C on the plus strand (A>G on the coding strand, the complement: CACNA1S is on the minus strand). VCF-style: chr1-201062001-T-C. GRCh37 (hg19) VCF-style: chr1-201031129-T-C.
Other names: short protein forms N999S.
Identifiers: ClinVar variation 3761356 (VCV003761356.4).
Genomic context (GRCh38, chr1:201,062,001, plus strand): 5'-CACTGAGGCCATCCCTCGAAGGTGGAGACCGTGAAGAGGGACATCATGGCTGAGAGCACA[T>C]TGTCGAAGTGGAAGTCGCTGTGTACCCACTCGCGGTGACGCAGCTCTATCTGCATGGGGT-3'
Protein context (NP_000060.2, residues 989-1009): EWVHSDFHFD[Asn999Ser]VLSAMMSLFT

ClinVar aggregate classification (germline): Uncertain significance. Review status: criteria provided, multiple submitters, no conflicts (2 of 4 stars). 2 submissions from 2 submitters: Uncertain significance (2). Last evaluated 2026-06-01.

Conditions:
Malignant hyperthermia, susceptibility to, 5 (MHS5). Also called: CACNA1S-Related Malignant Hyperthermia Susceptibility. Identifiers: Orphanet 423, MedGen C1866077, MONDO:0011163, OMIM 601887.
Hypokalemic periodic paralysis, type 1. Also called: HypoPP; Hypokalemic Periodic Paralysis Type 1 (AD). Identifiers: Orphanet 681, MedGen C3714580, MONDO:0042979, OMIM 170400.

gnomAD v4.1: 1 of 1,614,150 alleles (0.000062%); highest among the groups gnomAD compares: Non-Finnish European, 0.000085%; no homozygotes.

Submissions (2):

CeGaT Center for Human Genetics Tuebingen
Classification: Uncertain significance. Last evaluated: 2026-06-01. Review status: criteria provided, single submitter. Criteria: CeGaT Center For Human Genetics Tuebingen Variant Classification Criteria Version 2. Collection method: clinical testing. Allele origin: germline. Affected: yes. Observed: 1 variant allele.
Comment: CACNA1S: PM2

Labcorp Genetics (formerly Invitae), Labcorp
Classification: Uncertain significance for Hypokalemic periodic paralysis, type 1; Malignant hyperthermia, susceptibility to, 5. Last evaluated: 2024-04-30. Review status: criteria provided, single submitter. Criteria: Invitae Variant Classification Sherloc (09022015). Collection method: clinical testing. Allele origin: germline.
Comment: This sequence change replaces asparagine, which is neutral and polar, with serine, which is neutral and polar, at codon 999 of the CACNA1S protein (p.Asn999Ser). This variant is not present in population databases (gnomAD no frequency). This variant has not been reported in the literature in individuals affected with CACNA1S-related conditions. Advanced modeling of protein sequence and biophysical properties (such as structural, functional, and spatial information, amino acid conservation, physicochemical variation, residue mobility, and thermodynamic stability) performed at Invitae indicates that this missense variant is not expected to disrupt CACNA1S protein function with a negative predictive value of 80%. In summary, the available evidence is currently insufficient to determine the role of this variant in disease. Therefore, it has been classified as a Variant of Uncertain Significance.